The following is an entry in ClinVar:

ClinVar aggregate classification (germline): Uncertain significance (1 of 4 stars; one submission).

Submission:

GeneDx
Classification: Uncertain significance. Last evaluated: 2024-12-05. Review status: criteria provided, single submitter. Criteria: GeneDx Variant Classification Process June 2021. Collection method: clinical testing. Allele origin: germline.
Comment: Not observed at significant frequency in large population cohorts (gnomAD); In-frame deletion of 8 amino acids and insertion of 8 amino acids in a non-repeat region; In silico analysis supports a deleterious effect on protein structure/function; Has not been previously published as pathogenic or benign to our knowledge

NM_182931.3(KMT2E):c.4044_4064inv (p.Lys1349_Ser1355delinsSerPheLeuGluAspPheTyr)

Gene: KMT2E (lysine methyltransferase 2E (inactive); plus strand). Cytogenetic location: 7q22.3.
Variant type: Inversion.
Coding change: c.4044_4064inv on transcript NM_182931.3 (MANE Select).
Protein change: p.Lys1349_Ser1355delinsSerPheLeuGluAspPheTyr.
Molecular consequence: missense variant.
Genome position: GRCh38: chr7:105,110,844-105,110,864. GRCh37 (hg19): chr7:104,751,291-104,751,311.
Other names: c.3918_3938inv, p.Lys1307_Ser1313delinsSerPheLeuGluAspPheTyr (NM_001410908.1); c.4044_4064inv, p.Lys1349_Ser1355delinsSerPheLeuGluAspPheTyr (NM_018682.4).
Identifiers: ClinVar variation 3363851 (VCV003363851.2).